The following is an entry in ClinVar:

ClinVar aggregate classification (germline): Likely benign (1 of 4 stars; one submission).

Allele frequency attached by ClinVar (database versions not stated): gnomAD exomes below 0.00001.

Submission:

GeneDx
Classification: Likely benign. Last evaluated: 2015-05-20. Review status: criteria provided, single submitter. Criteria: GeneDx Variant Classification (06012015). Collection method: clinical testing. Allele origin: germline. Affected: yes.
Comment: This variant is considered likely benign or benign based on one or more of the following criteria: it is a conservative change, it occurs at a poorly conserved position in the protein, it is predicted to be benign by multiple in silico algorithms, and/or has population frequency not consistent with disease.

NM_174934.4(SCN4B):c.73C>T (p.Leu25Phe)

Gene: SCN4B (sodium voltage-gated channel beta subunit 4; minus strand). Cytogenetic location: 11q23.3.
Variant type: single nucleotide variant.
Coding change: c.73C>T on transcript NM_174934.4 (MANE Select); coding-DNA position 73, C replaced by T.
Protein change: p.Leu25Phe; replaces leucine 25 with phenylalanine.
Molecular consequence: missense variant. On other transcripts: 5 prime UTR variant (1), non-coding transcript variant (1), intron variant (1).
Genome position (GRCh38, 1-based): chr11:118,145,218, G>A on the plus strand (C>T on the coding strand, the complement: SCN4B is on the minus strand). VCF-style: chr11-118145218-G-A. GRCh37 (hg19) VCF-style: chr11-118015933-G-A.
Other names: c.-258C>T (NM_001142349.2); c.62-3882C>T (NM_001142348.2); short protein forms L25F.
Identifiers: ClinVar variation 379744 (VCV000379744.1), dbSNP rs1057520723, ClinGen allele CA16606165.